The following is an entry in ClinVar:

ClinVar aggregate classification (germline): Pathogenic (1 of 4 stars; one submission).

Submission:

GeneDx
Classification: Pathogenic. Last evaluated: 2025-02-05. Review status: criteria provided, single submitter. Criteria: GeneDx Variant Classification Process June 2021. Collection method: clinical testing. Allele origin: germline. Affected: yes.
Comment: Frameshift variant predicted to result in protein truncation or nonsense mediated decay in a gene for which loss of function is a known mechanism of disease; Not observed at significant frequency in large population cohorts (gnomAD); Has not been previously published as pathogenic or benign to our knowledge

NM_005413.4(SIX3):c.729del (p.Gly244fs)

Gene: SIX3 (SIX homeobox 3; plus strand). Cytogenetic location: 2p21.
Variant type: Deletion.
Coding change: c.729del on transcript NM_005413.4 (MANE Select); coding-DNA position 729, one base deleted (C; older notation c.729delC).
Protein change: p.Gly244fs; shifts the reading frame from glycine 244.
Molecular consequence: frameshift variant.
Genome position (GRCh38, 1-based): chr2:44,942,833, C deleted; the last of 2 consecutive C bases (chr2:44,942,832-44,942,833); deleting either gives the same sequence. VCF-style (leftmost placement, unchanged base first): chr2-44942831-AC-A. GRCh37 (hg19) VCF-style: chr2-45169970-AC-A.
Other names: short protein forms G244fs.
Identifiers: ClinVar variation 4074347 (VCV004074347.1).